The following is an entry in ClinVar:

ClinVar aggregate classification (germline): Uncertain significance (1 of 4 stars; one submission).

Submission:

Dasa
Classification: Uncertain significance. Last evaluated: 2026-03-25. Review status: criteria provided, single submitter. Criteria: DASA Assertion Criteria. Collection method: clinical testing. Allele origin: germline.
Comment: NM_014727.3(KMT2B):c.2458-33G>C is an intronic variant. This variant is rare in population databases. The currently available literature and clinical evidence are not sufficient to establish a definitive association between this variant and the reported condition. Therefore, this variant is classified as a variant of uncertain significance.

NM_014727.3(KMT2B):c.2458-33G>C

Gene: KMT2B (lysine methyltransferase 2B; plus strand). Cytogenetic location: 19q13.12.
Variant type: single nucleotide variant.
Coding change: c.2458-33G>C on transcript NM_014727.3 (MANE Select); 33 bases into the intron before coding-DNA position 2458, G replaced by C.
Molecular consequence: intron variant.
Genome position (GRCh38, 1-based): chr19:35,722,326, G>C. VCF-style: chr19-35722326-G-C. GRCh37 (hg19) VCF-style: chr19-36213228-G-C.
Identifiers: ClinVar variation 4883649 (VCV004883649.2).
Genomic context (GRCh38, chr19:35,722,326, plus strand): 5'-GTGCTGGGATTACAGGCATCAGCCACCACACCCAGCTCCCTGTCCCTATCTTTCCTCACT[G>C]TCCAGCCCCTGACCCTGTTTATTCCCTGCCAGCTGAGCCCTGGAGGGCAGATGGAGGAGG-3'